The following is an entry in ClinVar:

ClinVar aggregate classification (germline): Uncertain significance (1 of 4 stars; one submission).

Conditions:
Fanconi anemia (FA). Also called: Fanconi's anemia. Identifiers: Orphanet 84, MedGen C0015625, MeSH D005199, MONDO:0019391.

Allele frequency attached by ClinVar (database versions not stated): ExAC 0.00001; gnomAD exomes 0.00001.
gnomAD v4.1: 7 of 1,612,450 alleles (0.00043%); highest among the groups gnomAD compares: Non-Finnish European, 0.00059%; no homozygotes.

Submission:

Labcorp Genetics (formerly Invitae), Labcorp
Classification: Uncertain significance for Fanconi anemia. Last evaluated: 2022-05-09. Review status: criteria provided, single submitter. Criteria: Invitae Variant Classification Sherloc (09022015). Collection method: clinical testing. Allele origin: germline.
Comment: This sequence change replaces glutamine, which is neutral and polar, with histidine, which is basic and polar, at codon 351 of the FANCI protein (p.Gln351His). This variant is present in population databases (rs777308680, gnomAD 0.003%). This variant has not been reported in the literature in individuals affected with FANCI-related conditions. Algorithms developed to predict the effect of missense changes on protein structure and function are either unavailable or do not agree on the potential impact of this missense change (SIFT: "Deleterious"; PolyPhen-2: "Possibly Damaging"; Align-GVGD: "Class C0"). In summary, the available evidence is currently insufficient to determine the role of this variant in disease. Therefore, it has been classified as a Variant of Uncertain Significance.

NM_001113378.2(FANCI):c.1053G>T (p.Gln351His)

Gene: FANCI (FA complementation group I; plus strand). Cytogenetic location: 15q26.1.
Variant type: single nucleotide variant.
Coding change: c.1053G>T on transcript NM_001113378.2 (MANE Select); coding-DNA position 1053, G replaced by T.
Protein change: p.Gln351His; replaces glutamine 351 with histidine.
Molecular consequence: missense variant.
Genome position (GRCh38, 1-based): chr15:89,274,245, G>T. VCF-style: chr15-89274245-G-T. GRCh37 (hg19) VCF-style: chr15-89817476-G-T.
Other names: c.774G>T, p.Gln258His (NM_001376910.1); c.1053G>T, p.Gln351His (NM_001376911.1, NM_018193.3); short protein forms Q351H, Q258H.
Identifiers: ClinVar variation 1991485 (VCV001991485.1), dbSNP rs777308680, ClinGen allele CA7722908.